The following is an entry in ClinVar:

ClinVar aggregate classification (germline): Likely benign (0 of 4 stars; one submission).

Conditions:
TENM4-related disorder. Also called: TENM4-related condition.

Allele frequency attached by ClinVar (database versions not stated): ExAC 0.00006; ESP Exome Variant Server 0.00008; gnomAD 0.00010; TOPMed 0.00011; gnomAD exomes 0.00033.
gnomAD v4.1: 485 of 1,613,944 alleles (0.03%); highest among the groups gnomAD compares: Non-Finnish European, 0.04%; 2 homozygotes.

Submission:

PreventionGenetics, part of Exact Sciences
Classification: Likely benign for TENM4-related condition. Last evaluated: 2023-06-21. Review status: no assertion criteria provided. Collection method: clinical testing. Allele origin: germline.
Comment: This variant is classified as likely benign based on ACMG/AMP sequence variant interpretation guidelines (Richards et al. 2015 PMID: 25741868, with internal and published modifications).

NM_001098816.3(TENM4):c.3624C>T (p.Gly1208=)

Gene: TENM4 (teneurin transmembrane protein 4; minus strand). Cytogenetic location: 11q14.1.
Variant type: single nucleotide variant.
Coding change: c.3624C>T on transcript NM_001098816.3 (MANE Select); coding-DNA position 3624, C replaced by T.
Protein change: p.Gly1208=; no amino-acid change (glycine 1208 retained).
Molecular consequence: synonymous variant.
Genome position (GRCh38, 1-based): chr11:78,722,844, G>A on the plus strand (C>T on the coding strand, the complement: TENM4 is on the minus strand). VCF-style: chr11-78722844-G-A. GRCh37 (hg19) VCF-style: chr11-78433889-G-A.
Identifiers: ClinVar variation 3044469 (VCV003044469.2), dbSNP rs368278113, ClinGen allele CA6207006.